The following is an entry in ClinVar:

ClinVar aggregate classification (germline): Uncertain significance (1 of 4 stars; one submission).

Conditions:
Inborn genetic diseases. Identifiers: MedGen C0950123, MeSH D030342.

Allele frequency attached by ClinVar (database versions not stated): gnomAD exomes 0.00001; TOPMed 0.00001; ExAC 0.00002.
gnomAD v4.1: 7 of 1,614,200 alleles (0.00043%); highest among the groups gnomAD compares: Admixed American, 0.01%; no homozygotes.

Submission:

Ambry Genetics
Classification: Uncertain significance for Inborn genetic diseases. Last evaluated: 2021-08-12. Review status: criteria provided, single submitter. Criteria: Ambry Variant Classification Scheme 2023. Collection method: clinical testing. Allele origin: germline.
Comment: The c.2482-6C>T intronic alteration consists of a C to T substitution 6 nucleotides before exon 20 (coding exon 19) of the NCAPD2 gene. Based on insufficient or conflicting evidence, the clinical significance of this alteration remains unclear.

NM_014865.4(NCAPD2):c.2482-6C>T

Gene: NCAPD2 (non-SMC condensin I complex subunit D2; plus strand). Cytogenetic location: 12p13.31.
Variant type: single nucleotide variant.
Coding change: c.2482-6C>T on transcript NM_014865.4 (MANE Select); 6 bases into the intron before coding-DNA position 2482, C replaced by T.
Molecular consequence: intron variant.
Genome position (GRCh38, 1-based): chr12:6,526,281, C>T. VCF-style: chr12-6526281-C-T. GRCh37 (hg19) VCF-style: chr12-6635447-C-T.
Identifiers: ClinVar variation 2230238 (VCV002230238.2), dbSNP rs779032359, ClinGen allele CA6408759.